The following is an entry in ClinVar:

ClinVar aggregate classification (germline): Uncertain significance (1 of 4 stars; one submission).

gnomAD v4.1: 3 of 1,554,216 alleles (0.00019%); highest among the groups gnomAD compares: Non-Finnish European, 0.00026%; no homozygotes.

Submission:

Labcorp Genetics (formerly Invitae), Labcorp
Classification: Uncertain significance. Last evaluated: 2025-08-17. Review status: criteria provided, single submitter. Criteria: Invitae Variant Classification Sherloc (09022015). Collection method: clinical testing. Allele origin: germline.
Comment: This sequence change replaces proline, which is neutral and non-polar, with alanine, which is neutral and non-polar, at codon 622 of the CSF2RB protein (p.Pro622Ala). This variant is not present in population databases (gnomAD no frequency). This variant has not been reported in the literature in individuals affected with CSF2RB-related conditions. Invitae Evidence Modeling of protein sequence and biophysical properties (such as structural, functional, and spatial information, amino acid conservation, physicochemical variation, residue mobility, and thermodynamic stability) indicates that this missense variant is not expected to disrupt CSF2RB protein function with a negative predictive value of 80%. In summary, the available evidence is currently insufficient to determine the role of this variant in disease. Therefore, it has been classified as a Variant of Uncertain Significance.

NM_000395.3(CSF2RB):c.1864C>G (p.Pro622Ala)

Gene: CSF2RB (colony stimulating factor 2 receptor subunit beta; plus strand). Cytogenetic location: 22q12.3.
Variant type: single nucleotide variant.
Coding change: c.1864C>G on transcript NM_000395.3 (MANE Select); coding-DNA position 1864, C replaced by G.
Protein change: p.Pro622Ala; replaces proline 622 with alanine.
Molecular consequence: missense variant.
Genome position (GRCh38, 1-based): chr22:36,937,672, C>G. VCF-style: chr22-36937672-C-G. GRCh37 (hg19) VCF-style: chr22-37333714-C-G.
Other names: c.1882C>G, p.Pro628Ala (NM_001410827.1); short protein forms P628A, P622A.
Identifiers: ClinVar variation 4699223 (VCV004699223.1).